The following is an entry in ClinVar:

ClinVar aggregate classification (germline): Uncertain significance (1 of 4 stars; one submission).

Conditions:
Familial thoracic aortic aneurysm and aortic dissection (TAAD). Also called: Thoracic aortic aneurysms and dissections. Identifiers: Orphanet 91387, MedGen C4707243, MONDO:0019625.

Allele frequency attached by ClinVar (database versions not stated): gnomAD exomes below 0.00001; gnomAD 0.00001; TOPMed 0.00001.
gnomAD v4.1: 1 of 1,614,086 alleles (0.000062%); highest among the groups gnomAD compares: Non-Finnish European, 0.000085%; no homozygotes.

Submission:

Ambry Genetics
Classification: Uncertain significance for Familial thoracic aortic aneurysm and aortic dissection. Last evaluated: 2023-11-25. Review status: criteria provided, single submitter. Criteria: Ambry Variant Classification Scheme 2023. Collection method: clinical testing. Allele origin: germline.
Comment: The p.G1252E variant (also known as c.3755G>A), located in coding exon 19 of the MYLK gene, results from a G to A substitution at nucleotide position 3755. The glycine at codon 1252 is replaced by glutamic acid, an amino acid with similar properties. This amino acid position is highly conserved in available vertebrate species. In addition, this alteration is predicted to be deleterious by in silico analysis. Since supporting evidence is limited at this time, the clinical significance of this alteration remains unclear.

NM_053025.4(MYLK):c.3755G>A (p.Gly1252Glu)

Gene: MYLK (myosin light chain kinase; minus strand). Cytogenetic location: 3q21.1.
Variant type: single nucleotide variant.
Coding change: c.3755G>A on transcript NM_053025.4 (MANE Select); coding-DNA position 3755, G replaced by A.
Protein change: p.Gly1252Glu; replaces glycine 1252 with glutamic acid.
Molecular consequence: missense variant.
Genome position (GRCh38, 1-based): chr3:123,666,295, C>T on the plus strand (G>A on the coding strand, the complement: MYLK is on the minus strand). VCF-style: chr3-123666295-C-T. GRCh37 (hg19) VCF-style: chr3-123385142-C-T.
Other names: c.3227G>A, p.Gly1076Glu (NM_001321309.2); c.3548G>A, p.Gly1183Glu (NM_053026.4, NM_053028.4); c.3755G>A, p.Gly1252Glu (NM_053027.4); short protein forms G1252E, G1076E, G1183E.
Identifiers: ClinVar variation 264105 (VCV000264105.5), dbSNP rs886039046, ClinGen allele CA10587554.
Genomic context (GRCh38, chr3:123,666,295, plus strand): 5'-ATCCAGGTACAGGTGATGGGCTGAGTGCCTGTCACTTTGCCAAACAGCTCCACTGACTCT[C>T]CTGCGCGTACCTTCTGGTCCTCAGGGAACTGGATGATCTGAGGGGGCATTGCTGAGGGAG-3'
Protein context (NP_444253.3, residues 1242-1262): QFPEDQKVRA[Gly1252Glu]ESVELFGKVT